The following is an entry in ClinVar:

NM_001394073.1(HS6ST2):c.917G>C (p.Gly306Ala)

Gene: HS6ST2 (heparan sulfate 6-O-sulfotransferase 2; minus strand). Cytogenetic location: Xq26.2.
Variant type: single nucleotide variant.
Coding change: c.917G>C on transcript NM_001394073.1 (MANE Select); coding-DNA position 917, G replaced by C.
Protein change: p.Gly306Ala; replaces glycine 306 with alanine.
Molecular consequence: missense variant.
Genome position (GRCh38, 1-based): chrX:132,956,838, C>G on the plus strand (G>C on the coding strand, the complement: HS6ST2 is on the minus strand). VCF-style: chrX-132956838-C-G. GRCh37 (hg19) VCF-style: chrX-132090866-C-G.
Other names: c.917G>C (NM_001077188.1); c.917G>C, p.Gly306Ala (NM_001077188.2, NM_001394074.1, NM_147175.4); short protein forms G306A.
Identifiers: ClinVar variation 2661455 (VCV002661455.24), dbSNP rs868295125, ClinGen allele CA414688640.

ClinVar aggregate classification (germline): Uncertain significance. Review status: criteria provided, multiple submitters, no conflicts (2 of 4 stars). 2 submissions from 2 submitters: Uncertain significance (2). Last evaluated 2025-12-03.

gnomAD v4.1: 1 of 1,179,046 alleles (0.000085%); no homozygotes.

Submissions (2):

Ambry Genetics
Classification: Uncertain significance. Last evaluated: 2025-12-03. Review status: criteria provided, single submitter. Criteria: Ambry Variant Classification Scheme 2023. Collection method: clinical testing. Allele origin: germline.

CeGaT Center for Human Genetics Tuebingen
Classification: Uncertain significance. Last evaluated: 2022-04-01. Review status: criteria provided, single submitter. Criteria: CeGaT Center For Human Genetics Tuebingen Variant Classification Criteria Version 2. Collection method: clinical testing. Allele origin: germline. Affected: yes. Observed: 1 variant allele.
Comment: HS6ST2: PM2